The following is an entry in ClinVar:

ClinVar aggregate classification (germline): Conflicting classifications of pathogenicity. Review status: criteria provided, conflicting classifications (1 of 4 stars). 3 submissions from 3 submitters: Uncertain significance (2); Likely benign (1). Last evaluated 2025-11-21.

Allele frequency attached by ClinVar (database versions not stated): gnomAD exomes 0.00006 and 0.00016; ExAC 0.00023; ESP Exome Variant Server 0.00115; TOPMed 0.00072; gnomAD 0.00074 and 0.00078; 1000 Genomes Project 0.00120; 1000 Genomes Project 30x 0.00109.

Submissions (3):

Labcorp Genetics (formerly Invitae), Labcorp
Classification: Likely benign. Last evaluated: 2025-11-21. Review status: criteria provided, single submitter. Criteria: Invitae Variant Classification Sherloc (09022015). Collection method: clinical testing. Allele origin: germline.

GeneDx
Classification: Uncertain significance. Last evaluated: 2025-05-05. Review status: criteria provided, single submitter. Criteria: GeneDx Variant Classification Process June 2021. Collection method: clinical testing. Allele origin: germline. Affected: yes.
Comment: In silico analysis supports that this missense variant has a deleterious effect on protein structure/function; Has not been previously published as pathogenic or benign to our knowledge

Breakthrough Genomics
Classification: Uncertain significance. Review status: criteria provided, single submitter. Criteria: ACMG Guidelines, 2015. Collection method: not provided. Allele origin: germline. Inheritance: Autosomal recessive inheritance. Affected: yes.

NM_006294.5(UQCRB):c.249A>C (p.Lys83Asn)

Gene: UQCRB (ubiquinol-cytochrome c reductase binding protein; minus strand). Cytogenetic location: 8q22.1.
Variant type: single nucleotide variant.
Coding change: c.249A>C on transcript NM_006294.5 (MANE Select); coding-DNA position 249, A replaced by C.
Protein change: p.Lys83Asn; replaces lysine 83 with asparagine.
Molecular consequence: missense variant. On other transcripts: non-coding transcript variant (1).
Genome position (GRCh38, 1-based): chr8:96,231,783, T>G on the plus strand (A>C on the coding strand, the complement: UQCRB is on the minus strand). VCF-style: chr8-96231783-T-G. GRCh37 (hg19) VCF-style: chr8-97244011-T-G.
Other names: c.153A>C, p.Lys51Asn (NM_001199975.3); c.249A>C, p.Lys83Asn (NM_001254752.2); short protein forms K51N, K83N.
Identifiers: ClinVar variation 1199991 (VCV001199991.9), dbSNP rs145828292, ClinGen allele CA4815901.